The following is an entry in ClinVar:

NM_000539.3(RHO):c.732G>A (p.Gln244=)

Gene: RHO (rhodopsin; plus strand). Cytogenetic location: 3q22.1.
Variant type: single nucleotide variant.
Coding change: c.732G>A on transcript NM_000539.3 (MANE Select); coding-DNA position 732, G replaced by A.
Protein change: p.Gln244=; no amino-acid change (glutamine 244 retained).
Molecular consequence: synonymous variant.
Genome position (GRCh38, 1-based): chr3:129,532,568, G>A. VCF-style: chr3-129532568-G-A. GRCh37 (hg19) VCF-style: chr3-129251411-G-A.
Identifiers: ClinVar variation 900511 (VCV000900511.12), dbSNP rs148222991, ClinGen allele CA2607276.

ClinVar aggregate classification (germline): Conflicting classifications of pathogenicity. Review status: criteria provided, conflicting classifications (1 of 4 stars). 4 submissions from 3 submitters: Uncertain significance (2); Likely benign (2). Last evaluated 2026-06-17.

Conditions:
Congenital stationary night blindness autosomal dominant 1. Also called: NIGHT BLINDNESS, CONGENITAL STATIONARY, RHODOPSIN-RELATED. Identifiers: Orphanet 215, MedGen C1864869, MONDO:0012498, OMIM 610445.
RHO-related disorder. Also called: RHO-related condition.
Retinitis pigmentosa (RP). Identifiers: Orphanet 791, MedGen C0035334, MeSH D012174, MONDO:0019200, OMIM 268000. Inheritance: Autosomal dominant, autosomal recessive and X linked inheritance.

Allele frequency attached by ClinVar (database versions not stated): gnomAD 0.00001; ExAC 0.00002; TOPMed 0.00002; gnomAD exomes 0.00004; ESP Exome Variant Server 0.00008.
gnomAD v4.1: 26 of 1,614,064 alleles (0.0016%); highest among the groups gnomAD compares: Middle Eastern, 0.049%; no homozygotes.

Submissions (4):

PreventionGenetics, part of Exact Sciences
Classification: Likely benign for RHO-related condition. Last evaluated: 2026-06-17. Review status: criteria provided, single submitter. Criteria: ACMG Guidelines, 2015. Collection method: clinical testing. Allele origin: germline.
Comment: This variant is classified as likely benign based on ACMG/AMP sequence variant interpretation guidelines (Richards et al. 2015 PMID: 25741868, with internal and published modifications).

Labcorp Genetics (formerly Invitae), Labcorp
Classification: Likely benign. Last evaluated: 2024-07-02. Review status: criteria provided, single submitter. Criteria: Invitae Variant Classification Sherloc (09022015). Collection method: clinical testing. Allele origin: germline.

Illumina Laboratory Services, Illumina
Classification: Uncertain significance for Congenital stationary night blindness autosomal dominant 1. Last evaluated: 2017-04-27. Review status: criteria provided, single submitter. Criteria: ICSL Variant Classification Criteria 13 December 2019. Collection method: clinical testing. Allele origin: germline.

Illumina Laboratory Services, Illumina
Classification: Uncertain significance for Retinitis pigmentosa. Last evaluated: 2017-04-27. Review status: criteria provided, single submitter. Criteria: ICSL Variant Classification Criteria 13 December 2019. Collection method: clinical testing. Allele origin: germline.